The following is an entry in ClinVar:

NM_000535.7(PMS2):c.809C>G (p.Ser270Ter)

Gene: PMS2 (PMS1 homolog 2, mismatch repair system component; minus strand). Cytogenetic location: 7p22.1.
Variant type: single nucleotide variant.
Coding change: c.809C>G on transcript NM_000535.7 (MANE Select); coding-DNA position 809, C replaced by G.
Protein change: p.Ser270Ter; replaces serine 270 with a stop codon.
Molecular consequence: nonsense. On other transcripts: 5 prime UTR variant (2), non-coding transcript variant (1).
Genome position (GRCh38, 1-based): chr7:5,995,628, G>C on the plus strand (C>G on the coding strand, the complement: PMS2 is on the minus strand). VCF-style: chr7-5995628-G-C. GRCh37 (hg19) VCF-style: chr7-6035259-G-C.
Other names: c.404C>G, p.Ser135Ter (NM_001322003.2, NM_001322004.2, NM_001322005.2 and 2 more transcripts); c.809C>G, p.Ser270Ter (NM_001322006.2, NM_001322014.2); c.491C>G, p.Ser164Ter (NM_001322007.2, NM_001322008.2); c.-125C>G (NM_001322011.2, NM_001322012.2); c.236C>G, p.Ser79Ter (NM_001322013.2); c.500C>G, p.Ser167Ter (NM_001322015.2); short protein forms S270*, S79*, S135*, S164*, S167*.
Identifiers: ClinVar variation 183732 (VCV000183732.34), dbSNP rs786201047, ClinGen allele CA012910.
Genomic context (GRCh38, chr7:5,995,628, plus strand): 5'-AAAAACTGTCTGTCTGTTGAACTCCTTCCAACTCCATGCGTGCATTGTGAAATGAAACCT[G>C]AGATGCTATTCAACATTAATATGGTAAGGGCAGGATTCCAGAGTGAAAGGGATTAGAAAT-3'

ClinVar aggregate classification (germline): Pathogenic. Review status: criteria provided, multiple submitters, no conflicts (2 of 4 stars). 12 submissions from 12 submitters: Pathogenic (12). Last evaluated 2026-09-01.

Conditions:
Mismatch repair cancer syndrome 4. Identifiers: MedGen C5436817, MONDO:0030843, OMIM 619101.
Hereditary nonpolyposis colorectal neoplasms. Identifiers: MedGen C0009405, MeSH D003123.
Inherited MMR deficiency (Lynch syndrome).
Hereditary nonpolyposis colon cancer (HNPCC). Also called: Hereditary Nonpolyposis Colorectal Cancer Syndrome; Hereditary nonpolyposis colorectal cancer; Familial nonpolyposis colon cancer. Identifiers: Orphanet 443909, MedGen C1333990, MONDO:0018630. Disease mechanism: loss of function.
Hereditary cancer-predisposing syndrome. Also called: Tumor predisposition; Neoplastic Syndromes, Hereditary; Hereditary neoplastic syndrome; Hereditary Cancer Syndrome. Identifiers: Orphanet 140162, MedGen C0027672, MeSH D009386, MONDO:0015356.
Lynch syndrome 4 (LYNCH4). Also called: Hereditary non-polyposis colorectal cancer, type 4; Colorectal cancer, hereditary nonpolyposis, type 4. Identifiers: Orphanet 144, MedGen C1838333, MONDO:0013699, OMIM 614337. Disease mechanism: loss of function.

Allele frequency attached by ClinVar (database versions not stated): gnomAD exomes 0.00001; TOPMed below 0.00001; gnomAD 0.00001.
gnomAD v4.1: 22 of 1,606,082 alleles (0.0014%); highest among the groups gnomAD compares: Non-Finnish European, 0.0018%; no homozygotes.

Submissions (12):

Cambridge Genomics Laboratory, East Genomic Laboratory Hub, NHS Genomic Medicine Service
Classification: Pathogenic for Inherited MMR deficiency (Lynch syndrome). Last evaluated: 2026-09-01. Review status: criteria provided, single submitter. Criteria: ACGS Best Practice Guidelines for Variant Classification in Rare Disease 2020. Collection method: clinical testing. Allele origin: germline. Affected: yes.
Comment: PVS1,PM2_Supporting,PP4_Strong

GeneDx
Classification: Pathogenic. Last evaluated: 2025-06-24. Review status: criteria provided, single submitter. Criteria: GeneDx Variant Classification Process June 2021. Collection method: clinical testing. Allele origin: germline. Affected: yes.
Comment: Nonsense variant predicted to result in protein truncation or nonsense mediated decay in a gene for which loss of function is a known mechanism of disease; Not observed at significant frequency in large population cohorts (gnomAD); Truncating variants in this gene are considered pathogenic by a well-established clinical consortium and/or database; Observed in individuals with a personal and/or family history consistent with pathogenic variants in this gene, as well as an unaffected individual with a family history of breast cancer (PMID: 25856668, 28514183, 29345684, 30161022); This variant is associated with the following publications: (PMID: 25856668, 29345684, 32090079, 30787465, 30161022, 28904067, 28514183, 29847298)

Labcorp Genetics (formerly Invitae), Labcorp
Classification: Pathogenic for Hereditary nonpolyposis colorectal neoplasms. Last evaluated: 2025-01-14. Review status: criteria provided, single submitter. Criteria: Invitae Variant Classification Sherloc (09022015). Collection method: clinical testing. Allele origin: germline.
Comment: This sequence change creates a premature translational stop signal (p.Ser270*) in the PMS2 gene. It is expected to result in an absent or disrupted protein product. Loss-of-function variants in PMS2 are known to be pathogenic (PMID: 21376568, 24362816). This variant is not present in population databases (gnomAD no frequency). This premature translational stop signal has been observed in individual(s) with colorectal cancer and Lynch syndrome (PMID: 25856668, 28514183). ClinVar contains an entry for this variant (Variation ID: 183732). For these reasons, this variant has been classified as Pathogenic.

Color Diagnostics, LLC DBA Color Health
Classification: Pathogenic for Hereditary cancer-predisposing syndrome. Last evaluated: 2024-11-04. Review status: criteria provided, single submitter. Criteria: ACMG Guidelines, 2015. Collection method: clinical testing. Allele origin: germline.
Comment: This variant changes 1 nucleotide in exon 8 of the PMS2 gene, creating a premature translation stop signal. This variant is expected to result in an absent or non-functional protein product. To our knowledge, functional studies have not been reported for this variant. This variant has been reported in an individual suspected of having Lynch syndrome (PMID: 28514183), and an individual affected with early-onset colorectal cancer (PMID: 25856668). This variant has not been identified in the general population by the Genome Aggregation Database (gnomAD). Loss of PMS2 function is a known mechanism of disease. Based on the available evidence, this variant is classified as Pathogenic.

Quest Diagnostics Nichols Institute San Juan Capistrano
Classification: Pathogenic. Last evaluated: 2023-12-07. Review status: criteria provided, single submitter. Criteria: Quest Diagnostics criteria. Collection method: clinical testing. Allele origin: unknown.
Comment: The PMS2 c.809C>G (p.Ser270*) variant causes the premature termination of PMS2 protein synthesis. This variant has been reported in the published literature in an individual affected with colorectal cancer (PMID: 25856668 (2015)). The frequency of this variant in the general population, 0.0000066 (1/152180 chromosomes (Genome Aggregation Database)), is consistent with pathogenicity. Based on the available information, this variant is classified as pathogenic.

Myriad Genetics, Inc.
Classification: Pathogenic for Lynch syndrome 4. Last evaluated: 2023-09-19. Review status: criteria provided, single submitter. Criteria: Myriad Autosomal Dominant, Autosomal Recessive and X-Linked Classification Criteria (2023). Collection method: clinical testing. Allele origin: unknown.
Comment: This variant is considered pathogenic. This variant creates a termination codon and is predicted to result in premature protein truncation.

Ambry Genetics
Classification: Pathogenic for Hereditary cancer-predisposing syndrome. Last evaluated: 2023-05-12. Review status: criteria provided, single submitter. Criteria: Ambry Variant Classification Scheme 2023. Collection method: clinical testing. Allele origin: germline.
Comment: The p.S270* pathogenic mutation (also known as c.809C>G), located in coding exon 8 of the PMS2 gene, results from a C to G substitution at nucleotide position 809. This changes the amino acid from a serine to a stop codon within coding exon 8. This variant is considered to be rare based on population cohorts in the Genome Aggregation Database (gnomAD). This alteration is expected to result in loss of function by premature protein truncation or nonsense-mediated mRNA decay. As such, this alteration is interpreted as a disease-causing mutation.

Revvity Omics, Revvity
Classification: Pathogenic. Last evaluated: 2022-11-08. Review status: criteria provided, single submitter. Criteria: ACMG Guidelines, 2015. Collection method: clinical testing. Allele origin: germline.

Department of Pathology and Laboratory Medicine, Sinai Health System
Classification: Pathogenic for Mismatch repair cancer syndrome 4. Last evaluated: 2021-12-07. Review status: criteria provided, single submitter. Criteria: ACMG Guidelines, 2015. Collection method: clinical testing. Allele origin: germline. Affected: yes.

Baylor Genetics
Classification: Pathogenic for Lynch syndrome 4. Last evaluated: 2021-07-14. Review status: criteria provided, single submitter. Criteria: ACMG Guidelines, 2015. Collection method: clinical testing. Allele origin: unknown.

Women's Health and Genetics/Laboratory Corporation of America, LabCorp
Classification: Pathogenic for Hereditary nonpolyposis colon cancer. Last evaluated: 2021-02-08. Review status: criteria provided, single submitter. Criteria: LabCorp Variant Classification Summary - May 2015. Collection method: clinical testing. Allele origin: germline.
Comment: Variant summary: PMS2 c.809C>G (p.Ser270X) results in a premature termination codon, predicted to cause a truncation of the encoded protein or absence of the protein due to nonsense mediated decay, which are commonly known mechanisms for disease. Truncations downstream of this position have been classified as pathogenic by our laboratory. The variant was absent in 251328 control chromosomes (gnomAD). c.809C>G has been reported in the literature in one individual affected with colorectal cancer, individuals with suspected Lynch syndrome and one individual who had a personal and/or familial history of cancer-most frequently breast, ovarian, or colon (Espenschied_2017, Goodenberger_2015, Rosenthal_2020). These data indicate that the variant may be associated with disease. To our knowledge, no experimental evidence demonstrating an impact on protein function has been reported. Six ClinVar submitters (evaluation after 2014) cite the variant as pathogenic. Based on the evidence outlined above, the variant was classified as pathogenic.

Institute of Human Genetics, University of Leipzig Medical Center
Classification: Pathogenic for Lynch syndrome 4. Last evaluated: 2019-01-01. Review status: criteria provided, single submitter. Criteria: ACMG Guidelines, 2015. Collection method: clinical testing. Allele origin: unknown. Affected: no.

Literature cited by the submitters: PubMed 21376568 (cited by Labcorp Genetics (formerly Invitae), Labcorp); PubMed 24362816 (cited by Labcorp Genetics (formerly Invitae), Labcorp); PubMed 25856668 (cited by 5 submitters); PubMed 28514183 (cited by 5 submitters); PubMed 32090079 (cited by Quest Diagnostics Nichols Institute San Juan Capistrano and Women's Health and Genetics/Laboratory Corporation of America, LabCorp); PubMed 29345684 (cited by Quest Diagnostics Nichols Institute San Juan Capistrano and Women's Health and Genetics/Laboratory Corporation of America, LabCorp); PubMed 30161022 (cited by Women's Health and Genetics/Laboratory Corporation of America, LabCorp); PubMed 28904067 (cited by Women's Health and Genetics/Laboratory Corporation of America, LabCorp).